The following is an entry in ClinVar:

ClinVar aggregate classification (germline): Likely pathogenic (1 of 4 stars; one submission).

Conditions:
Pitt-Hopkins-like syndrome 2 (PTHSL2). Identifiers: Orphanet 221150, Orphanet 600663, MedGen C3280479, MONDO:0013690, OMIM 614325.

Submission:

Labcorp Genetics (formerly Invitae), Labcorp
Classification: Likely pathogenic for Pitt-Hopkins-like syndrome 2. Last evaluated: 2023-08-04. Review status: criteria provided, single submitter. Criteria: Invitae Variant Classification Sherloc (09022015). Collection method: clinical testing. Allele origin: germline.
Comment: This sequence change affects a donor splice site in intron 8 of the NRXN1 gene. It is expected to disrupt RNA splicing. Variants that disrupt the donor or acceptor splice site typically lead to a loss of protein function (PMID: 16199547), and loss-of-function variants in NRXN1 are known to be pathogenic (PMID: 19896112, 21964664, 23495017, 23533028, 25149956, 30031152). In summary, the currently available evidence indicates that the variant is pathogenic, but additional data are needed to prove that conclusively. Therefore, this variant has been classified as Likely Pathogenic. ClinVar contains an entry for this variant (Variation ID: 2027233). This variant has not been reported in the literature in individuals affected with NRXN1-related conditions. This variant is not present in population databases (gnomAD no frequency).

Literature cited by the submitters: PubMed 16199547; PubMed 19896112; PubMed 21964664; PubMed 23495017; PubMed 23533028; PubMed 25149956; PubMed 30031152.

NM_001330078.2(NRXN1):c.1158+23T>G

Gene: NRXN1 (neurexin 1; minus strand). Cytogenetic location: 2p16.3.
Variant type: single nucleotide variant.
Coding change: c.1158+23T>G on transcript NM_001330078.2 (MANE Select); 23 bases into the intron after coding-DNA position 1158, T replaced by G.
Molecular consequence: intron variant. On other transcripts: splice donor variant (3).
Genome position (GRCh38, 1-based): chr2:50,621,203, A>C on the plus strand (T>G on the coding strand, the complement: NRXN1 is on the minus strand). VCF-style: chr2-50621203-A-C. GRCh37 (hg19) VCF-style: chr2-50848341-A-C.
Other names: c.1075-1020T>G (NM_001330096.2, NM_001330087.2); c.1119+2T>G (NM_001330083.2, NM_001330084.2); c.1105-1020T>G (NM_001330088.2); c.1155+23T>G (NM_001330093.2); c.1146+23T>G (NM_001330094.2); c.1135-1020T>G (NM_001330095.2, NM_001330082.2, NM_001330077.2); c.1158+23T>G (NM_001330085.2, NM_004801.6, NM_001330086.2); c.1278+2T>G (NM_001135659.3).
Identifiers: ClinVar variation 2027233 (VCV002027233.4), dbSNP rs2466834908, ClinGen allele CA346821934.